The following is an entry in ClinVar:

ClinVar aggregate classification (germline): Uncertain significance. Review status: criteria provided, multiple submitters, no conflicts (2 of 4 stars). 2 submissions from 2 submitters: Uncertain significance (2). Last evaluated 2025-08-30.

Conditions:
Hereditary cancer-predisposing syndrome. Also called: Neoplastic Syndromes, Hereditary; Hereditary Cancer Syndrome; Hereditary neoplastic syndrome; Tumor predisposition. Identifiers: Orphanet 140162, MedGen C0027672, MeSH D009386, MONDO:0015356.
DICER1-related tumor predisposition. Also called: DICER1-related pleuropulmonary blastoma cancer predisposition syndrome; DICER1 syndrome. Identifiers: Orphanet 284343, MedGen C3839822, MONDO:0100216.

Allele frequency attached by ClinVar (database versions not stated): gnomAD exomes below 0.00001; TOPMed below 0.00001; gnomAD 0.00001.

Submissions (2):

Labcorp Genetics (formerly Invitae), Labcorp
Classification: Uncertain significance for DICER1-related tumor predisposition. Last evaluated: 2025-08-30. Review status: criteria provided, single submitter. Criteria: Invitae Variant Classification Sherloc (09022015). Collection method: clinical testing. Allele origin: germline.
Comment: This sequence change replaces methionine, which is neutral and non-polar, with isoleucine, which is neutral and non-polar, at codon 1149 of the DICER1 protein (p.Met1149Ile). This variant is present in population databases (no rsID available, gnomAD 0.0009%). This variant has not been reported in the literature in individuals affected with DICER1-related conditions. ClinVar contains an entry for this variant (Variation ID: 823781). Invitae Evidence Modeling of protein sequence and biophysical properties (such as structural, functional, and spatial information, amino acid conservation, physicochemical variation, residue mobility, and thermodynamic stability) indicates that this missense variant is not expected to disrupt DICER1 protein function with a negative predictive value of 95%. In summary, the available evidence is currently insufficient to determine the role of this variant in disease. Therefore, it has been classified as a Variant of Uncertain Significance.

Ambry Genetics
Classification: Uncertain significance for Hereditary cancer-predisposing syndrome. Last evaluated: 2024-05-17. Review status: criteria provided, single submitter. Criteria: Ambry Variant Classification Scheme 2023. Collection method: clinical testing. Allele origin: germline.
Comment: The p.M1149I variant (also known as c.3447G>A), located in coding exon 20 of the DICER1 gene, results from a G to A substitution at nucleotide position 3447. The methionine at codon 1149 is replaced by isoleucine, an amino acid with highly similar properties. This amino acid position is well conserved in available vertebrate species. In addition, the in silico prediction for this alteration is inconclusive. Since supporting evidence is limited at this time, the clinical significance of this alteration remains unclear.

NM_177438.3(DICER1):c.3447G>A (p.Met1149Ile)

Gene: DICER1 (dicer 1, ribonuclease III; minus strand). Cytogenetic location: 14q32.13.
Variant type: single nucleotide variant.
Coding change: c.3447G>A on transcript NM_177438.3 (MANE Select); coding-DNA position 3447, G replaced by A.
Protein change: p.Met1149Ile; replaces methionine 1149 with isoleucine.
Molecular consequence: missense variant.
Genome position (GRCh38, 1-based): chr14:95,103,949, C>T on the plus strand (G>A on the coding strand, the complement: DICER1 is on the minus strand). VCF-style: chr14-95103949-C-T. GRCh37 (hg19) VCF-style: chr14-95570286-C-T.
Other names: c.3447G>A, p.Met1149Ile (NM_001195573.1, NM_001271282.3, NM_001291628.2 and 1 more transcripts); short protein forms M1149I.
Identifiers: ClinVar variation 823781 (VCV000823781.16), dbSNP rs1304695583, ClinGen allele CA390875394.
Genomic context (GRCh38, chr14:95,103,949, plus strand): 5'-TGAAACTTCAACGTGGAGCTTACCAGGGGACTCGCTGAGCAACGTTCTGCAGTTCACAGA[C>T]ATTTGGTCATGATTTTCTAGAGAGGAGGTTCTATTAGCACCTTGATGTGCAGCATTTTCA-3'
Protein context (NP_803187.1, residues 1139-1159): RTSSLENHDQ[Met1149Ile]SVNCRTLLSE